The following is an entry in ClinVar:

NM_014915.3(ANKRD26):c.464A>G (p.Tyr155Cys)

Gene: ANKRD26 (ankyrin repeat domain containing 26; minus strand). Cytogenetic location: 10p12.1.
Variant type: single nucleotide variant.
Coding change: c.464A>G on transcript NM_014915.3 (MANE Select); coding-DNA position 464, A replaced by G.
Protein change: p.Tyr155Cys; replaces tyrosine 155 with cysteine.
Molecular consequence: missense variant.
Genome position (GRCh38, 1-based): chr10:27,093,416, T>C on the plus strand (A>G on the coding strand, the complement: ANKRD26 is on the minus strand). VCF-style: chr10-27093416-T-C. GRCh37 (hg19) VCF-style: chr10-27382345-T-C.
Other names: c.464A>G, p.Tyr155Cys (NM_001256053.2); short protein forms Y155C.
Identifiers: ClinVar variation 3870088 (VCV003870088.1).

ClinVar aggregate classification (germline): Uncertain significance (1 of 4 stars; one submission).

Conditions:
Inborn genetic diseases. Identifiers: MedGen C0950123, MeSH D030342.

gnomAD v4.1: 4 of 1,614,208 alleles (0.00025%); highest among the groups gnomAD compares: South Asian, 0.0011%; no homozygotes.

Submission:

Ambry Genetics
Classification: Uncertain significance for Inborn genetic diseases. Last evaluated: 2025-01-07. Review status: criteria provided, single submitter. Criteria: Ambry Variant Classification Scheme 2023. Collection method: clinical testing. Allele origin: germline.
Comment: The p.Y155C variant (also known as c.464A>G), located in coding exon 3 of the ANKRD26 gene, results from an A to G substitution at nucleotide position 464. The tyrosine at codon 155 is replaced by cysteine, an amino acid with highly dissimilar properties. This amino acid position is conserved. In addition, this alteration is predicted to be tolerated by in silico analysis. Based on the available evidence, the clinical significance of this variant remains unclear.